The following is an entry in ClinVar:

NM_000124.4(ERCC6):c.869G>T (p.Cys290Phe)

Gene: ERCC6 (ERCC excision repair 6, chromatin remodeling factor; minus strand). Cytogenetic location: 10q11.23.
Variant type: single nucleotide variant.
Coding change: c.869G>T on transcript NM_000124.4 (MANE Select); coding-DNA position 869, G replaced by T.
Protein change: p.Cys290Phe; replaces cysteine 290 with phenylalanine.
Molecular consequence: missense variant.
Genome position (GRCh38, 1-based): chr10:49,524,561, C>A on the plus strand (G>T on the coding strand, the complement: ERCC6 is on the minus strand). VCF-style: chr10-49524561-C-A. GRCh37 (hg19) VCF-style: chr10-50732607-C-A.
Other names: c.869G>T, p.Cys290Phe (NM_001277058.2, NM_001277059.2, NM_001346440.2); short protein forms C290F.
Identifiers: ClinVar variation 1716183 (VCV001716183.5), dbSNP rs1159163328, ClinGen allele CA376754248.

ClinVar aggregate classification (germline): Uncertain significance (1 of 4 stars; one submission).

Submission:

Labcorp Genetics (formerly Invitae), Labcorp
Classification: Uncertain significance. Last evaluated: 2025-03-17. Review status: criteria provided, single submitter. Criteria: Invitae Variant Classification Sherloc (09022015). Collection method: clinical testing. Allele origin: germline.
Comment: This sequence change replaces cysteine, which is neutral and slightly polar, with phenylalanine, which is neutral and non-polar, at codon 290 of the ERCC6 protein (p.Cys290Phe). This variant is not present in population databases (gnomAD no frequency). This variant has not been reported in the literature in individuals affected with ERCC6-related conditions. ClinVar contains an entry for this variant (Variation ID: 1716183). Invitae Evidence Modeling of protein sequence and biophysical properties (such as structural, functional, and spatial information, amino acid conservation, physicochemical variation, residue mobility, and thermodynamic stability) indicates that this missense variant is not expected to disrupt ERCC6 protein function with a negative predictive value of 95%. In summary, the available evidence is currently insufficient to determine the role of this variant in disease. Therefore, it has been classified as a Variant of Uncertain Significance.